The following is an entry in ClinVar:

NM_020738.4(KIDINS220):c.2415A>G (p.Ala805=)

Gene: KIDINS220 (kinase D interacting substrate 220; minus strand). Cytogenetic location: 2p25.1.
Variant type: single nucleotide variant.
Coding change: c.2415A>G on transcript NM_020738.4 (MANE Select); coding-DNA position 2415, A replaced by G.
Protein change: p.Ala805=; no amino-acid change (alanine 805 retained).
Molecular consequence: synonymous variant. On other transcripts: non-coding transcript variant (2).
Genome position (GRCh38, 1-based): chr2:8,779,095, T>C on the plus strand (A>G on the coding strand, the complement: KIDINS220 is on the minus strand). VCF-style: chr2-8779095-T-C. GRCh37 (hg19) VCF-style: chr2-8919225-T-C.
Other names: c.2418A>G, p.Ala806= (NM_001348729.2, NM_001348731.2, NM_001348734.2 and 3 more transcripts); c.2415A>G, p.Ala805= (NM_001348732.2, NM_001348735.2, NM_001348738.2 and 3 more transcripts); c.2289A>G, p.Ala763= (NM_001348736.2); c.2415A>G (NM_020738.2).
Identifiers: ClinVar variation 1983463 (VCV001983463.5), dbSNP rs764462972, ClinGen allele CA1519971.

ClinVar aggregate classification (germline): Likely benign. Review status: criteria provided, single submitter (1 of 4 stars). 2 submissions from 2 submitters: Likely benign (1). 1 of the submissions does not count toward it. Last evaluated 2024-02-03.

Conditions:
KIDINS220-related disorder. Also called: KIDINS220-related condition.

Allele frequency attached by ClinVar (database versions not stated): ExAC 0.00001; gnomAD exomes 0.00001; TOPMed 0.00002; gnomAD 0.00003.
gnomAD v4.1: 15 of 1,613,886 alleles (0.00093%); highest among the groups gnomAD compares: Non-Finnish European, 0.0013%; no homozygotes.

Submissions (2):

Labcorp Genetics (formerly Invitae), Labcorp
Classification: Likely benign. Last evaluated: 2024-02-03. Review status: criteria provided, single submitter. Criteria: Invitae Variant Classification Sherloc (09022015). Collection method: clinical testing. Allele origin: germline.

PreventionGenetics, part of Exact Sciences
Classification: Likely benign for KIDINS220-related condition. Last evaluated: 2023-12-05. Review status: no assertion criteria provided. Collection method: clinical testing. Allele origin: germline. Not counted in ClinVar's aggregate classification.
Comment: This variant is classified as likely benign based on ACMG/AMP sequence variant interpretation guidelines (Richards et al. 2015 PMID: 25741868, with internal and published modifications).